The following is an entry in ClinVar:

NM_022725.4(FANCF):c.98G>C (p.Arg33Pro)

Gene: FANCF (FA complementation group F; minus strand). Cytogenetic location: 11p14.3.
Variant type: single nucleotide variant.
Coding change: c.98G>C on transcript NM_022725.4 (MANE Select); coding-DNA position 98, G replaced by C.
Protein change: p.Arg33Pro; replaces arginine 33 with proline.
Molecular consequence: missense variant.
Genome position (GRCh38, 1-based): chr11:22,625,713, C>G on the plus strand (G>C on the coding strand, the complement: FANCF is on the minus strand). VCF-style: chr11-22625713-C-G. GRCh37 (hg19) VCF-style: chr11-22647259-C-G.
Other names: short protein forms R33P.
Identifiers: ClinVar variation 1919975 (VCV001919975.5), dbSNP rs2133798673, ClinGen allele CA380059708.

ClinVar aggregate classification (germline): Uncertain significance (1 of 4 stars; one submission).

Conditions:
Fanconi anemia (FA). Also called: Fanconi's anemia. Identifiers: Orphanet 84, MedGen C0015625, MeSH D005199, MONDO:0019391.

Allele frequency attached by ClinVar (database versions not stated): gnomAD exomes below 0.00001.

Submission:

Labcorp Genetics (formerly Invitae), Labcorp
Classification: Uncertain significance for Fanconi anemia. Last evaluated: 2022-02-19. Review status: criteria provided, single submitter. Criteria: Invitae Variant Classification Sherloc (09022015). Collection method: clinical testing. Allele origin: germline.
Comment: In summary, the available evidence is currently insufficient to determine the role of this variant in disease. Therefore, it has been classified as a Variant of Uncertain Significance. Algorithms developed to predict the effect of missense changes on protein structure and function (SIFT, PolyPhen-2, Align-GVGD) all suggest that this variant is likely to be disruptive. This variant has not been reported in the literature in individuals affected with FANCF-related conditions. This variant is not present in population databases (gnomAD no frequency). This sequence change replaces arginine, which is basic and polar, with proline, which is neutral and non-polar, at codon 33 of the FANCF protein (p.Arg33Pro).